The following is an entry in ClinVar:

NM_015570.4(AUTS2):c.2890C>G (p.Pro964Ala)

Gene: AUTS2 (activator of transcription and developmental regulator AUTS2; plus strand). Cytogenetic location: 7q11.22.
Variant type: single nucleotide variant.
Coding change: c.2890C>G on transcript NM_015570.4 (MANE Select); coding-DNA position 2890, C replaced by G.
Protein change: p.Pro964Ala; replaces proline 964 with alanine.
Molecular consequence: missense variant.
Genome position (GRCh38, 1-based): chr7:70,790,106, C>G. VCF-style: chr7-70790106-C-G. GRCh37 (hg19) VCF-style: chr7-70255092-C-G.
Other names: c.2818C>G, p.Pro940Ala (NM_001127231.3); short protein forms P940A, P964A.
Identifiers: ClinVar variation 1690587 (VCV001690587.4), dbSNP rs772666638, ClinGen allele CA4281211.
Genomic context (GRCh38, chr7:70,790,106, plus strand): 5'-GTGCGGACCCCGGTGGTGGAGAGTGCCAGGCCCAACAGCACCTCGAGCCGGGAGGCCGAG[C>G]CGCGCAAGGGTGAGCCGGCCTACGAGAACCCCAAGAAGAGCTCCGAGGTCAAGGTGAAGG-3'
Protein context (NP_056385.1, residues 954-974): PNSTSSREAE[Pro964Ala]RKGEPAYENP

ClinVar aggregate classification (germline): Conflicting classifications of pathogenicity. Review status: criteria provided, conflicting classifications (1 of 4 stars). 2 submissions from 2 submitters: Uncertain significance (1); Benign (1). Last evaluated 2024-09-30.

Allele frequency attached by ClinVar (database versions not stated): gnomAD exomes below 0.00001; gnomAD 0.00001; ExAC 0.00002; TOPMed 0.00002.
gnomAD v4.1: 4 of 1,593,410 alleles (0.00025%); highest among the groups gnomAD compares: Non-Finnish European, 0.000085%; no homozygotes.

Submissions (2):

Labcorp Genetics (formerly Invitae), Labcorp
Classification: Benign. Last evaluated: 2024-09-30. Review status: criteria provided, single submitter. Criteria: Invitae Variant Classification Sherloc (09022015). Collection method: clinical testing. Allele origin: germline.

Laboratorio de Genetica e Diagnostico Molecular, Hospital Israelita Albert Einstein
Classification: Uncertain significance. Last evaluated: 2022-03-16. Review status: criteria provided, single submitter. Criteria: ACMG Guidelines, 2015. Collection method: clinical testing. Allele origin: germline. Affected: yes.
Comment: ACMG classification criteria: BP4